The following is an entry in ClinVar:

NM_153240.5(NPHP3):c.3270T>G (p.Pro1090=)

Genes: NPHP3 (nephrocystin 3; minus strand), NPHP3-ACAD11 (NPHP3-ACAD11 readthrough (NMD candidate); minus strand). Cytogenetic location: 3q22.1.
Variant type: single nucleotide variant.
Coding change: c.3270T>G on transcript NM_153240.5 (MANE Select); coding-DNA position 3270, T replaced by G.
Protein change: p.Pro1090=; no amino-acid change (proline 1090 retained).
Molecular consequence: synonymous variant. On other transcripts: non-coding transcript variant (1).
Genome position (GRCh38, 1-based): chr3:132,686,319, A>C on the plus strand (T>G on the coding strand, the complement: NPHP3 is on the minus strand). VCF-style: chr3-132686319-A-C. GRCh37 (hg19) VCF-style: chr3-132405163-A-C.
Other names: c.3270T>G (NM_153240.4).
Identifiers: ClinVar variation 500849 (VCV000500849.10), dbSNP rs139351534, ClinGen allele CA2621790.

ClinVar aggregate classification (germline): Conflicting classifications of pathogenicity. Review status: criteria provided, conflicting classifications (1 of 4 stars). 3 submissions from 3 submitters: Uncertain significance (1); Likely benign (2). Last evaluated 2025-11-28.

Conditions:
NPHP3-related disorder. Also called: NPHP3-related condition; NPHP3-related disorders. Identifiers: MedGen CN379163.
Nephronophthisis. Also called: Juvenile Nephronophthisis. Identifiers: Orphanet 655, MedGen C0687120, MONDO:0019005, HP:0000090.

Allele frequency attached by ClinVar (database versions not stated): gnomAD exomes below 0.00001 and 0.00002; ExAC 0.00002; TOPMed 0.00003; gnomAD 0.00004 and 0.00005; ESP Exome Variant Server 0.00008.
gnomAD v4.1: 14 of 1,613,820 alleles (0.00087%); highest among the groups gnomAD compares: African/African-American, 0.016%; no homozygotes.

Submissions (3):

Labcorp Genetics (formerly Invitae), Labcorp
Classification: Likely benign for Nephronophthisis. Last evaluated: 2025-11-28. Review status: criteria provided, single submitter. Criteria: Invitae Variant Classification Sherloc (09022015). Collection method: clinical testing. Allele origin: germline.

PreventionGenetics, part of Exact Sciences
Classification: Likely benign for NPHP3-related condition. Last evaluated: 2025-02-28. Review status: criteria provided, single submitter. Criteria: ACMG Guidelines, 2015. Collection method: clinical testing. Allele origin: germline.
Comment: This variant is classified as likely benign based on ACMG/AMP sequence variant interpretation guidelines (Richards et al. 2015 PMID: 25741868, with internal and published modifications).

Eurofins Ntd Llc (ga)
Classification: Uncertain significance. Last evaluated: 2017-11-29. Review status: criteria provided, single submitter. Criteria: EGL Classification Definitions 2015. Collection method: clinical testing. Allele origin: germline. Observed: 2 variant alleles, 2 heterozygotes.